The following is an entry in ClinVar:

ClinVar aggregate classification (germline): Conflicting classifications of pathogenicity. Review status: criteria provided, conflicting classifications (1 of 4 stars). 3 submissions from 3 submitters: Uncertain significance (2); Likely benign (1). Last evaluated 2025-01-29.

Conditions:
Renal cell carcinoma. Identifiers: Orphanet 217071, MedGen C0007134, MeSH D002292, MONDO:0005086, HP:0005584.
Hereditary cancer-predisposing syndrome. Also called: Hereditary neoplastic syndrome; Neoplastic Syndromes, Hereditary; Tumor predisposition; Hereditary Cancer Syndrome. Identifiers: Orphanet 140162, MedGen C0027672, MeSH D009386, MONDO:0015356.

Allele frequency attached by ClinVar (database versions not stated): ExAC 0.00001; gnomAD 0.00001; TOPMed 0.00001.
gnomAD v4.1: 2 of 1,613,982 alleles (0.00012%); highest among the groups gnomAD compares: Non-Finnish European, 0.00017%; no homozygotes.

Submissions (3):

Labcorp Genetics (formerly Invitae), Labcorp
Classification: Uncertain significance for Renal cell carcinoma. Last evaluated: 2025-01-29. Review status: criteria provided, single submitter. Criteria: Invitae Variant Classification Sherloc (09022015). Collection method: clinical testing. Allele origin: germline.
Comment: This sequence change replaces asparagine, which is neutral and polar, with serine, which is neutral and polar, at codon 497 of the MET protein (p.Asn497Ser). This variant is present in population databases (rs753713629, gnomAD 0.0009%). This variant has not been reported in the literature in individuals affected with MET-related conditions. ClinVar contains an entry for this variant (Variation ID: 1315624). An algorithm developed to predict the effect of missense changes on protein structure and function (PolyPhen-2) suggests that this variant is likely to be tolerated. In summary, the available evidence is currently insufficient to determine the role of this variant in disease. Therefore, it has been classified as a Variant of Uncertain Significance.

Ambry Genetics
Classification: Likely benign for Hereditary cancer-predisposing syndrome. Last evaluated: 2025-01-01. Review status: criteria provided, single submitter. Criteria: Ambry Variant Classification Scheme 2023. Collection method: clinical testing. Allele origin: germline.

GeneDx
Classification: Uncertain significance. Last evaluated: 2019-05-20. Review status: criteria provided, single submitter. Criteria: GeneDx Variant Classification Process June 2021. Collection method: clinical testing. Allele origin: germline. Affected: yes.
Comment: Not observed at a significant frequency in large population cohorts (Lek et al., 2016); In silico analysis, which includes protein predictors and evolutionary conservation, supports that this variant does not alter protein structure/function; Has not been previously published as pathogenic or benign to our knowledge

NM_000245.4(MET):c.1490A>G (p.Asn497Ser)

Gene: MET (MET proto-oncogene, receptor tyrosine kinase; plus strand). Cytogenetic location: 7q31.2.
Variant type: single nucleotide variant.
Coding change: c.1490A>G on transcript NM_000245.4 (MANE Select); coding-DNA position 1490, A replaced by G.
Protein change: p.Asn497Ser; replaces asparagine 497 with serine.
Molecular consequence: missense variant.
Genome position (GRCh38, 1-based): chr7:116,740,047, A>G. VCF-style: chr7-116740047-A-G. GRCh37 (hg19) VCF-style: chr7-116380101-A-G.
Other names: c.1490A>G, p.Asn497Ser (NM_001127500.3, NM_001324401.3); c.200A>G, p.Asn67Ser (NM_001324402.2); short protein forms N497S, N67S.
Identifiers: ClinVar variation 1315624 (VCV001315624.10), dbSNP rs753713629, ClinGen allele CA4448171.
Genomic context (GRCh38, chr7:116,740,047, plus strand): 5'-TGAATTTTCTCCTGGACTCCCATCCAGTGTCTCCAGAAGTGATTGTGGAGCATACATTAA[A>G]CCAAAATGGCTACACACTGGTTATCACTGGGAAGAAGGTAAGCTGTTCCCACAGGGAATT-3'
Protein context (NP_000236.2, residues 487-507): SPEVIVEHTL[Asn497Ser]QNGYTLVITG